The following is an entry in ClinVar:

NM_001572.5(IRF7):c.1382A>C (p.His461Pro)

Gene: IRF7 (interferon regulatory factor 7; minus strand). Cytogenetic location: 11p15.5.
Variant type: single nucleotide variant.
Coding change: c.1382A>C on transcript NM_001572.5 (MANE Select); coding-DNA position 1382, A replaced by C.
Protein change: p.His461Pro; replaces histidine 461 with proline.
Molecular consequence: missense variant.
Genome position (GRCh38, 1-based): chr11:612,775, T>G on the plus strand (A>C on the coding strand, the complement: IRF7 is on the minus strand). VCF-style: chr11-612775-T-G. GRCh37 (hg19) VCF-style: chr11-612775-T-G.
Other names: c.1295A>C, p.His432Pro (NM_004029.4); c.1421A>C, p.His474Pro (NM_004031.4); short protein forms H461P, H474P, H432P.
Identifiers: ClinVar variation 2701183 (VCV002701183.3), dbSNP rs1180903297, ClinGen allele CA378976135.

ClinVar aggregate classification (germline): Uncertain significance (1 of 4 stars; one submission).

Conditions:
Immunodeficiency 39 (IMD39). Identifiers: Orphanet 574918, MedGen C4225358, MONDO:0014597, OMIM 616345.

Allele frequency attached by ClinVar (database versions not stated): TOPMed below 0.00001; gnomAD 0.00001.
gnomAD v4.1: 1 of 1,611,280 alleles (0.000062%); highest among the groups gnomAD compares: Non-Finnish European, 0.000085%; no homozygotes.

Submission:

Labcorp Genetics (formerly Invitae), Labcorp
Classification: Uncertain significance for Immunodeficiency 39. Last evaluated: 2023-12-05. Review status: criteria provided, single submitter. Criteria: Invitae Variant Classification Sherloc (09022015). Collection method: clinical testing. Allele origin: germline.
Comment: This sequence change replaces histidine, which is basic and polar, with proline, which is neutral and non-polar, at codon 474 of the IRF7 protein (p.His474Pro). This variant is present in population databases (no rsID available, gnomAD 0.0009%). This variant has not been reported in the literature in individuals affected with IRF7-related conditions. Advanced modeling of protein sequence and biophysical properties (such as structural, functional, and spatial information, amino acid conservation, physicochemical variation, residue mobility, and thermodynamic stability) performed at Invitae indicates that this missense variant is not expected to disrupt IRF7 protein function with a negative predictive value of 80%. In summary, the available evidence is currently insufficient to determine the role of this variant in disease. Therefore, it has been classified as a Variant of Uncertain Significance.